The following is an entry in ClinVar:

ClinVar aggregate classification (germline): Benign (0 of 4 stars; one submission).

Allele frequency attached by ClinVar (database versions not stated): 1000 Genomes Project 0.00079.

Submission:

Lupski Lab, Baylor-Hopkins CMG, Baylor College of Medicine
Classification: Benign. Review status: no assertion criteria provided. Collection method: research. Allele origin: unknown. Affected: yes. Observed: 1 variant allele.

NC_000023.11:g.102811122T>C

Genes: ARMCX5-GPRASP2 (ARMCX5-GPRASP2 readthrough; plus strand), LINC00630 (long intergenic non-protein coding RNA 630; plus strand). Cytogenetic location: Xq22.1.
Variant type: single nucleotide variant.
Genome position: GRCh38 VCF-style: chrX-102811122-T-C. GRCh37 (hg19) VCF-style: chrX-102066050-T-C.
Identifiers: ClinVar variation 691858 (VCV000691858.2), dbSNP rs747345446, ClinGen allele CA333929202.